The following is an entry in ClinVar:

NM_000334.4(SCN4A):c.3144+3A>G

Genes: GH-LCR (growth hormone locus control region; plus strand), SCN4A (sodium voltage-gated channel alpha subunit 4; minus strand). Cytogenetic location: 17q23.3.
Variant type: single nucleotide variant.
Coding change: c.3144+3A>G on transcript NM_000334.4 (MANE Select); 3 bases into the intron after coding-DNA position 3144, A replaced by G.
Molecular consequence: intron variant.
Genome position (GRCh38, 1-based): chr17:63,948,608, T>C on the plus strand (A>G on the coding strand, the complement: SCN4A is on the minus strand). VCF-style: chr17-63948608-T-C. GRCh37 (hg19) VCF-style: chr17-62025968-T-C.
Identifiers: ClinVar variation 2028478 (VCV002028478.4), dbSNP rs2509295638, ClinGen allele CA2580094610.

ClinVar aggregate classification (germline): Uncertain significance (1 of 4 stars; one submission).

Conditions:
Hyperkalemic periodic paralysis. Also called: Familial hyperkalemic periodic paralysis; Gamstorp disease. Identifiers: Orphanet 682, MedGen C0238357, MONDO:0008224, OMIM 170500, HP:0007215.

Submission:

Labcorp Genetics (formerly Invitae), Labcorp
Classification: Uncertain significance for Hyperkalemic periodic paralysis. Last evaluated: 2023-10-13. Review status: criteria provided, single submitter. Criteria: Invitae Variant Classification Sherloc (09022015). Collection method: clinical testing. Allele origin: germline.
Comment: This sequence change falls in intron 16 of the SCN4A gene. It does not directly change the encoded amino acid sequence of the SCN4A protein. It affects a nucleotide within the consensus splice site. This variant is not present in population databases (gnomAD no frequency). This variant has not been reported in the literature in individuals affected with SCN4A-related conditions. ClinVar contains an entry for this variant (Variation ID: 2028478). Variants that disrupt the consensus splice site are a relatively common cause of aberrant splicing (PMID: 17576681, 9536098). Algorithms developed to predict the effect of sequence changes on RNA splicing suggest that this variant may create or strengthen a splice site. In summary, the available evidence is currently insufficient to determine the role of this variant in disease. Therefore, it has been classified as a Variant of Uncertain Significance.

Literature cited by the submitters: PubMed 17576681; PubMed 9536098.